The following is an entry in ClinVar:

NM_001379180.1(ESRRB):c.976T>C (p.Tyr326His)

Gene: ESRRB (estrogen related receptor beta; plus strand). Cytogenetic location: 14q24.3.
Variant type: single nucleotide variant.
Coding change: c.976T>C on transcript NM_001379180.1 (MANE Select); coding-DNA position 976, T replaced by C.
Protein change: p.Tyr326His; replaces tyrosine 326 with histidine.
Molecular consequence: missense variant.
Genome position (GRCh38, 1-based): chr14:76,491,572, T>C. VCF-style: chr14-76491572-T-C. GRCh37 (hg19) VCF-style: chr14-76957915-T-C.
Other names: c.928T>C, p.Tyr310His (NM_001411038.1); c.913T>C, p.Tyr305His (NM_004452.4); short protein forms Y305H, Y310H, Y326H.
Identifiers: ClinVar variation 4532194 (VCV004532194.1).
Genomic context (GRCh38, chr14:76,491,572, plus strand): 5'-ATCCTGGGCATCGTGTACCGCTCGCTGCCCTATGACGACAAGCTGGTGTACGCTGAGGAC[T>C]ACATCATGGATGAGGAGCACTCCCGCCTCGCGGGGCTGCTGGAGCTCTACCGGGCCATCC-3'
Protein context (NP_001366109.1, residues 316-336): YDDKLVYAED[Tyr326His]IMDEEHSRLA

ClinVar aggregate classification (germline): Likely pathogenic (1 of 4 stars; one submission).

Conditions:
Monogenic hearing loss.

gnomAD v4.1: 12 of 1,592,426 alleles (0.00075%); highest among the groups gnomAD compares: Non-Finnish European, 0.001%; no homozygotes.

Submission:

Genetics Laboratory, Great Ormond Street Hospital NHS Foundation Trust, North Thames Genomic Laboratory Hub
Classification: Likely pathogenic for Monogenic hearing loss. Last evaluated: 2025-09-29. Review status: criteria provided, single submitter. Criteria: ACGS Best Practice Guidelines for Variant Classification in Rare Disease 2024 v1.2. Collection method: clinical testing. Allele origin: germline. Affected: yes.
Comment: PM2_moderate, PP3_moderate, PP1_strong, PM3_supporting